The following is an entry in ClinVar:

ClinVar aggregate classification (germline): Conflicting classifications of pathogenicity. Review status: criteria provided, conflicting classifications (1 of 4 stars). 2 submissions from 2 submitters: Likely pathogenic (1); Uncertain significance (1). Last evaluated 2026-04-20.

Conditions:
Warsaw breakage syndrome (WABS). Also called: DDX11-Related Cohesinopathy. Identifiers: Orphanet 280558, MedGen C3150658, MONDO:0013252, OMIM 613398.
Inborn genetic diseases. Identifiers: MedGen C0950123, MeSH D030342.

Submissions (2):

Department of Human Genetics, Hannover Medical School
Classification: Likely pathogenic for Warsaw breakage syndrome. Last evaluated: 2026-04-20. Review status: criteria provided, single submitter. Criteria: ACMG Guidelines, 2015. Collection method: clinical testing. Allele origin: germline. Inheritance: Autosomal recessive inheritance. Affected: yes.
Comment: ACMG/SVI: PM2_Supporting, PM3_Supporting, PP1_Moderate, PP3_Moderate

Ambry Genetics
Classification: Uncertain significance for Inborn genetic diseases. Last evaluated: 2025-05-06. Review status: criteria provided, single submitter. Criteria: Ambry Variant Classification Scheme 2023. Collection method: clinical testing. Allele origin: germline.

NM_030653.4(DDX11):c.1177G>A (p.Asp393Asn)

Gene: DDX11 (DEAD/H-box helicase 11; plus strand). Cytogenetic location: 12p11.21.
Variant type: single nucleotide variant.
Coding change: c.1177G>A on transcript NM_030653.4 (MANE Select); coding-DNA position 1177, G replaced by A.
Protein change: p.Asp393Asn; replaces aspartic acid 393 with asparagine.
Molecular consequence: missense variant. On other transcripts: non-coding transcript variant (4).
Genome position (GRCh38, 1-based): chr12:31,091,806, G>A. VCF-style: chr12-31091806-G-A. GRCh37 (hg19) VCF-style: chr12-31244740-G-A.
Other names: c.1177G>A, p.Asp393Asn (NM_001257144.2, NM_001413692.1, NM_001413693.1 and 5 more transcripts); c.1099G>A, p.Asp367Asn (NM_001257145.2, NM_001413697.1, NM_001413698.1 and 1 more transcripts); c.1090G>A, p.Asp364Asn (NM_001413700.1); c.649G>A, p.Asp217Asn (NM_001413702.1, NM_001413703.1); c.316G>A, p.Asp106Asn (NM_001413704.1, NM_001413705.1); c.211G>A, p.Asp71Asn (NM_001413706.1); short protein forms D364N, D71N, D106N, D367N, D217N, D393N.
Identifiers: ClinVar variation 4010116 (VCV004010116.2).